The following is an entry in ClinVar:

ClinVar aggregate classification (germline): Likely benign. Review status: criteria provided, multiple submitters, no conflicts (2 of 4 stars). 3 submissions from 3 submitters: Likely benign (3). Last evaluated 2025-03-10.

Conditions:
ALG8 congenital disorder of glycosylation. Also called: CONGENITAL DISORDER OF GLYCOSYLATION, TYPE Ih; CDG Ih; ALG8-CDG. Identifiers: Orphanet 79325, MedGen C2931002, MONDO:0011969, OMIM 608104.
ALG8-related disorder.
Polycystic liver disease 3 with or without kidney cysts. Identifiers: MedGen C4693472, MONDO:0054743, OMIM 617874.

Allele frequency attached by ClinVar (database versions not stated): ExAC 0.00004; gnomAD exomes 0.00008 and 0.00017; gnomAD 0.00009; TOPMed 0.00012.
gnomAD v4.1: 263 of 1,613,816 alleles (0.016%); highest among the groups gnomAD compares: Non-Finnish European, 0.021%; no homozygotes.

Submissions (3):

Labcorp Genetics (formerly Invitae), Labcorp
Classification: Likely benign for ALG8 congenital disorder of glycosylation. Last evaluated: 2025-03-10. Review status: criteria provided, single submitter. Criteria: Invitae Variant Classification Sherloc (09022015). Collection method: clinical testing. Allele origin: germline.

PreventionGenetics, part of Exact Sciences
Classification: Likely benign for ALG8-related condition. Last evaluated: 2024-11-18. Review status: criteria provided, single submitter. Criteria: ACMG Guidelines, 2015. Collection method: clinical testing. Allele origin: germline.
Comment: This variant is classified as likely benign based on ACMG/AMP sequence variant interpretation guidelines (Richards et al. 2015 PMID: 25741868, with internal and published modifications).

Fulgent Genetics
Classification: Likely benign for ALG8 congenital disorder of glycosylation; Polycystic liver disease 3 with or without kidney cysts. Last evaluated: 2022-04-06. Review status: criteria provided, single submitter. Criteria: ACMG Guidelines, 2015. Collection method: clinical testing. Allele origin: unknown.

NM_024079.5(ALG8):c.1178+7A>G

Gene: ALG8 (ALG8 alpha-1,3-glucosyltransferase; minus strand). Cytogenetic location: 11q14.1.
Variant type: single nucleotide variant.
Coding change: c.1178+7A>G on transcript NM_024079.5 (MANE Select); 7 bases into the intron after coding-DNA position 1178, A replaced by G.
Molecular consequence: intron variant.
Genome position (GRCh38, 1-based): chr11:78,106,800, T>C on the plus strand (A>G on the coding strand, the complement: ALG8 is on the minus strand). VCF-style: chr11-78106800-T-C. GRCh37 (hg19) VCF-style: chr11-77817846-T-C.
Other names: c.1178+7A>G (NM_001007027.3).
Identifiers: ClinVar variation 773249 (VCV000773249.10), dbSNP rs766278533, ClinGen allele CA6203204.